The following is an entry in ClinVar:

ClinVar aggregate classification (germline): Likely benign (1 of 4 stars; one submission).

gnomAD v4.1: 120 of 1,591,170 alleles (0.0075%); highest among the groups gnomAD compares: South Asian, 0.024%; no homozygotes.

Submission:

CeGaT Center for Human Genetics Tuebingen
Classification: Likely benign. Last evaluated: 2026-08-01. Review status: criteria provided, single submitter. Criteria: CeGaT Center For Human Genetics Tuebingen Variant Classification Criteria Version 2. Collection method: clinical testing. Allele origin: germline. Affected: yes. Observed: 1 variant allele.
Comment: UGGT1: BP4, BP7

NM_020120.4(UGGT1):c.255T>C (p.Asn85=)

Gene: UGGT1 (UDP-glucose glycoprotein glucosyltransferase 1; plus strand). Cytogenetic location: 2q14.3.
Variant type: single nucleotide variant.
Coding change: c.255T>C on transcript NM_020120.4 (MANE Select); coding-DNA position 255, T replaced by C.
Protein change: p.Asn85=; no amino-acid change (asparagine 85 retained).
Molecular consequence: synonymous variant. On other transcripts: non-coding transcript variant (1).
Genome position (GRCh38, 1-based): chr2:128,103,992, T>C. VCF-style: chr2-128103992-T-C. GRCh37 (hg19) VCF-style: chr2-128861566-T-C.
Identifiers: ClinVar variation 5039216 (VCV005039216.1).